The following is an entry in ClinVar:

ClinVar aggregate classification (germline): Uncertain significance. Review status: criteria provided, multiple submitters, no conflicts (2 of 4 stars). 2 submissions from 2 submitters: Uncertain significance (2). Last evaluated 2025-08-09.

Conditions:
Inborn genetic diseases. Identifiers: MedGen C0950123, MeSH D030342.
Joubert syndrome. Also called: CEREBELLOPARENCHYMAL DISORDER IV; JOUBERT-BOLTSHAUSER SYNDROME; Familial aplasia of the vermis. Identifiers: Orphanet 475, MedGen C5979921, MONDO:0018772.
Meckel-Gruber syndrome. Also called: DYSENCEPHALIA SPLANCHNOCYSTICA; GRUBER SYNDROME; Dysencephalia splachnocystica. Identifiers: Orphanet 564, MedGen C0265215, MONDO:0018921.

Allele frequency attached by ClinVar (database versions not stated): gnomAD exomes 0.00001.
gnomAD v4.1: 8 of 1,614,240 alleles (0.0005%); highest among the groups gnomAD compares: Middle Eastern, 0.016%; no homozygotes.

Submissions (2):

Ambry Genetics
Classification: Uncertain significance for Inborn genetic diseases. Last evaluated: 2025-08-09. Review status: criteria provided, single submitter. Criteria: Ambry Variant Classification Scheme 2023. Collection method: clinical testing. Allele origin: germline.

Labcorp Genetics (formerly Invitae), Labcorp
Classification: Uncertain significance for Joubert syndrome; Meckel-Gruber syndrome. Last evaluated: 2024-10-29. Review status: criteria provided, single submitter. Criteria: Invitae Variant Classification Sherloc (09022015). Collection method: clinical testing. Allele origin: germline.
Comment: This sequence change replaces serine, which is neutral and polar, with threonine, which is neutral and polar, at codon 345 of the TCTN1 protein (p.Ser345Thr). This variant is not present in population databases (gnomAD no frequency). This variant has not been reported in the literature in individuals affected with TCTN1-related conditions. ClinVar contains an entry for this variant (Variation ID: 1431136). Invitae Evidence Modeling of protein sequence and biophysical properties (such as structural, functional, and spatial information, amino acid conservation, physicochemical variation, residue mobility, and thermodynamic stability) indicates that this missense variant is not expected to disrupt TCTN1 protein function with a negative predictive value of 80%. In summary, the available evidence is currently insufficient to determine the role of this variant in disease. Therefore, it has been classified as a Variant of Uncertain Significance.

NM_001082538.3(TCTN1):c.1033T>A (p.Ser345Thr)

Gene: TCTN1 (tectonic family member 1; plus strand). Cytogenetic location: 12q24.11.
Variant type: single nucleotide variant.
Coding change: c.1033T>A on transcript NM_001082538.3 (MANE Select); coding-DNA position 1033, T replaced by A.
Protein change: p.Ser345Thr; replaces serine 345 with threonine.
Molecular consequence: missense variant. On other transcripts: non-coding transcript variant (1).
Genome position (GRCh38, 1-based): chr12:110,641,078, T>A. VCF-style: chr12-110641078-T-A. GRCh37 (hg19) VCF-style: chr12-111078883-T-A.
Other names: c.1033T>A, p.Ser345Thr (NM_001082537.3, NM_001319680.2); c.865T>A, p.Ser289Thr (NM_001173975.3); c.853T>A, p.Ser285Thr (NM_001173976.2); c.499T>A, p.Ser167Thr (NM_001319681.2); c.991T>A, p.Ser331Thr (NM_024549.6); c.1033T>A (NM_001082538.2); short protein forms S289T, S345T, S285T, S167T, S331T.
Identifiers: ClinVar variation 1431136 (VCV001431136.8), dbSNP rs2066918404, ClinGen allele CA386704948.